The following is an entry in ClinVar:

ClinVar aggregate classification (germline): Pathogenic (1 of 4 stars; one submission).

Submission:

GeneDx
Classification: Pathogenic. Last evaluated: 2019-01-28. Review status: criteria provided, single submitter. Criteria: GeneDx Variant Classification (06012015). Collection method: clinical testing. Allele origin: germline. Affected: yes.
Comment: The c.2582_2583delCCinsT pathogenic variant in the CHD8 gene causes a frameshift starting with codon Proline 861, changes this amino acid to a Leucine residue and creates a premature Stop codon at position 24 of the new reading frame, denoted p.Pro861LeufsX24. This pathogenic variant is predicted to cause loss of normal protein function either through protein truncation or nonsense-mediated mRNA decay. The c.2582_2583delCCinsT variant is not observed in large population cohorts (Lek et al., 2016).

NM_001170629.2(CHD8):c.2582_2583delinsT (p.Pro861fs)

Gene: CHD8 (chromodomain helicase DNA binding protein 8; minus strand). Cytogenetic location: 14q11.2.
Variant type: Indel.
Coding change: c.2582_2583delinsT on transcript NM_001170629.2 (MANE Select); coding-DNA positions 2582 to 2583, CC replaced by T.
Protein change: p.Pro861fs; shifts the reading frame from proline 861.
Molecular consequence: frameshift variant.
Genome position (GRCh38, 1-based): chr14:21,408,459-21,408,460, GG replaced by A on the plus strand (CC replaced by T on the coding strand, the reverse complement: CHD8 is on the minus strand). VCF-style: chr14-21408459-GG-A. GRCh37 (hg19) VCF-style: chr14-21876618-GG-A.
Other names: c.1745_1746delinsT, p.Pro582fs (NM_020920.4); short protein forms P582fs, P861fs.
Identifiers: ClinVar variation 817995 (VCV000817995.1), dbSNP rs1594351052, ClinGen allele CA915948882.